The following is an entry in ClinVar:

NM_006302.3(MOGS):c.1529C>G (p.Ala510Gly)

Gene: MOGS (mannosyl-oligosaccharide glucosidase; minus strand). Cytogenetic location: 2p13.1.
Variant type: single nucleotide variant.
Coding change: c.1529C>G on transcript NM_006302.3 (MANE Select); coding-DNA position 1529, C replaced by G.
Protein change: p.Ala510Gly; replaces alanine 510 with glycine.
Molecular consequence: missense variant.
Genome position (GRCh38, 1-based): chr2:74,462,260, G>C on the plus strand (C>G on the coding strand, the complement: MOGS is on the minus strand). VCF-style: chr2-74462260-G-C. GRCh37 (hg19) VCF-style: chr2-74689387-G-C.
Other names: c.1211C>G, p.Ala404Gly (NM_001146158.2); short protein forms A404G, A510G.
Identifiers: ClinVar variation 949879 (VCV000949879.7), dbSNP rs976305108, ClinGen allele CA50475368.
Genomic context (GRCh38, chr2:74,462,260, plus strand): 5'-TCGTCAGGGTCACCAACCTCTAGCATATGGGCTACAGGCAAAAGTAGGGTTGGGGGGTTG[G>C]CGTGGACTGCTCGTTGTACTAGGAATTCTGGAGGCACCCGGGCTCGGGCCTCATCCCCCA-3'
Protein context (NP_006293.2, residues 500-520): PEFLVQRAVH[Ala510Gly]NPPTLLLPVA

ClinVar aggregate classification (germline): Uncertain significance (1 of 4 stars; one submission).

Conditions:
MOGS-congenital disorder of glycosylation. Also called: MOGS-CDG; GLUCOSIDASE I DEFICIENCY; CDG IIb; CDG 2B. Identifiers: Orphanet 79330, MedGen C1853736, MONDO:0011629, OMIM 606056.

Allele frequency attached by ClinVar (database versions not stated): gnomAD exomes below 0.00001; gnomAD 0.00001; TOPMed 0.00001.
gnomAD v4.1: 5 of 1,613,904 alleles (0.00031%); highest among the groups gnomAD compares: African/African-American, 0.004%; no homozygotes.

Submission:

Labcorp Genetics (formerly Invitae), Labcorp
Classification: Uncertain significance for MOGS-congenital disorder of glycosylation. Last evaluated: 2022-07-26. Review status: criteria provided, single submitter. Criteria: Invitae Variant Classification Sherloc (09022015). Collection method: clinical testing. Allele origin: germline.
Comment: In summary, the available evidence is currently insufficient to determine the role of this variant in disease. Therefore, it has been classified as a Variant of Uncertain Significance. Algorithms developed to predict the effect of missense changes on protein structure and function (SIFT, PolyPhen-2, Align-GVGD) all suggest that this variant is likely to be disruptive. ClinVar contains an entry for this variant (Variation ID: 949879). This variant has not been reported in the literature in individuals affected with MOGS-related conditions. This variant is present in population databases (no rsID available, gnomAD 0.01%). This sequence change replaces alanine, which is neutral and non-polar, with glycine, which is neutral and non-polar, at codon 510 of the MOGS protein (p.Ala510Gly).